The following is an entry in ClinVar:

ClinVar aggregate classification (germline): Uncertain significance. Review status: criteria provided, multiple submitters, no conflicts (2 of 4 stars). 3 submissions from 3 submitters: Uncertain significance (3). Last evaluated 2024-07-26.

Conditions:
Inborn genetic diseases. Identifiers: MedGen C0950123, MeSH D030342.

Allele frequency attached by ClinVar (database versions not stated): gnomAD 0.00001; TOPMed 0.00001; ExAC 0.00002; ESP Exome Variant Server 0.00008.

Submissions (3):

Mayo Clinic Laboratories, Mayo Clinic
Classification: Uncertain significance. Last evaluated: 2024-07-26. Review status: criteria provided, single submitter. Criteria: ACMG Guidelines, 2015. Collection method: clinical testing. Allele origin: germline. Observed: 1 variant allele.
Comment: BP4, PM2

Revvity Omics, Revvity
Classification: Uncertain significance. Last evaluated: 2023-05-16. Review status: criteria provided, single submitter. Criteria: ACMG Guidelines, 2015. Collection method: clinical testing. Allele origin: germline.

Ambry Genetics
Classification: Uncertain significance for Inborn genetic diseases. Last evaluated: 2022-11-30. Review status: criteria provided, single submitter. Criteria: Ambry Variant Classification Scheme 2023. Collection method: clinical testing. Allele origin: germline.

NM_001355436.2(SPTB):c.320A>G (p.Lys107Arg)

Gene: SPTB (spectrin beta, erythrocytic; minus strand). Cytogenetic location: 14q23.3.
Variant type: single nucleotide variant.
Coding change: c.320A>G on transcript NM_001355436.2 (MANE Select); coding-DNA position 320, A replaced by G.
Protein change: p.Lys107Arg; replaces lysine 107 with arginine.
Molecular consequence: missense variant.
Genome position (GRCh38, 1-based): chr14:64,803,761, T>C on the plus strand (A>G on the coding strand, the complement: SPTB is on the minus strand). VCF-style: chr14-64803761-T-C. GRCh37 (hg19) VCF-style: chr14-65270479-T-C.
Other names: NM_000347.5:c.320A>G; p.Lys107Arg; c.320A>G, p.Lys107Arg (NM_001024858.4, NM_001355437.2); short protein forms K107R.
Identifiers: ClinVar variation 2329971 (VCV002329971.5), dbSNP rs376388962, ClinGen allele CA7231473.